The following is an entry in ClinVar:

ClinVar aggregate classification (germline): Uncertain significance (1 of 4 stars; one submission).

Submission:

Illumina Laboratory Services, Illumina
Classification: Uncertain significance. Last evaluated: 2022-01-21. Review status: criteria provided, single submitter. Criteria: ICSL CNVClassificationCriteria Aug2020. Collection method: clinical testing. Allele origin: unknown.
Comment: This CNV is 35 kb and 17 kb duplication of Xq28 on chromosome X, (seq[GRCh37]dup(X)(q28); chr9:g.((153575641_ 153610949)_(153642662_ 153645284)dup), which is inherited. The breakpoints are uncertain due to current technological limitations. This CNV constitutes a duplication encompassing five protein coding genes, including FLNA, EMD, DNASE1L1, RPL10, and TAZ, and is in the region of the well-described Xq28 microduplication syndrome, though the causative genes associated with this microduplication syndrome are not found in this duplication (Vandewalle et al. 2009; Ballout et al. 2020). Patients with duplications similar in size and genomic content to this duplication have not been reported in the peer-reviewed literature. Several patients with partially overlapping duplications are reported, with phenotypes including global intellectual disability, periventricular nodular heterotopia, pseudo-obstruction, malrotation, dilated bowels, seizures, non-ambulation, delayed speech, psychomotor delay, poor coordination, dysmorphic features, microcephaly, cardiac abnormalities, behavioral issues, and thrombocytopenia (Madrigal et al. 2007; Clayton-Smith et al. 2009; Firth et al. 2009; Kong et al. 2021). Based on the available evidence, this CNV is classified as a variant of uncertain significance.

Literature cited by the submitters: PubMed 18047645; PubMed 18854860; PubMed 19344873; PubMed 20004760; PubMed 32112660.

GRCh37/hg19 Xq28(chrX:153575641-153645284)x2

Genes: DNASE1L1 (deoxyribonuclease 1 like 1; minus strand), EMD (emerin; plus strand), FLNA (filamin A; minus strand), RPL10 (ribosomal protein L10; plus strand), TAFAZZIN (tafazzin, phospholipid-lysophospholipid transacylase; plus strand). Cytogenetic location: Xq28.
Variant type: copy number gain.
Change: copy number 2 of chrX:153,575,641-153,645,284 (69.6 kb, GRCh37 coordinates, 1-based), cytogenetic band Xq28.
Identifiers: ClinVar variation 1710514 (VCV001710514.3).